The following is an entry in ClinVar:

NM_016277.5(RAB23):c.481+1G>A

Gene: RAB23 (RAB23, member RAS oncogene family; minus strand). Cytogenetic location: 6p12.1.
Variant type: single nucleotide variant.
Coding change: c.481+1G>A on transcript NM_016277.5 (MANE Select); the canonical splice donor site of the intron after coding-DNA position 481, G replaced by A.
Molecular consequence: splice donor variant.
Genome position (GRCh38, 1-based): chr6:57,194,769, C>T on the plus strand (G>A on the coding strand, the complement: RAB23 is on the minus strand). VCF-style: chr6-57194769-C-T. GRCh37 (hg19) VCF-style: chr6-57059567-C-T.
Other names: c.481+1G>A (NM_001278666.2, NM_001278667.2, NM_001278668.2 and 1 more transcripts).
Identifiers: ClinVar variation 2120775 (VCV002120775.4), dbSNP rs2533178301, ClinGen allele CA364626063.

ClinVar aggregate classification (germline): Likely pathogenic (1 of 4 stars; one submission).

Conditions:
Carpenter syndrome. Identifiers: Orphanet 65759, MedGen C1275078, MONDO:0019012.

Submission:

Labcorp Genetics (formerly Invitae), Labcorp
Classification: Likely pathogenic for Carpenter syndrome. Last evaluated: 2022-04-01. Review status: criteria provided, single submitter. Criteria: Invitae Variant Classification Sherloc (09022015). Collection method: clinical testing. Allele origin: germline.
Comment: This sequence change affects a donor splice site in intron 5 of the RAB23 gene. It is expected to disrupt RNA splicing. Variants that disrupt the donor or acceptor splice site typically lead to a loss of protein function (PMID: 16199547), and loss-of-function variants in RAB23 are known to be pathogenic (PMID: 17503333, 21412941). This variant is not present in population databases (gnomAD no frequency). This variant has not been reported in the literature in individuals affected with RAB23-related conditions. Algorithms developed to predict the effect of sequence changes on RNA splicing suggest that this variant may disrupt the consensus splice site. In summary, the currently available evidence indicates that the variant is pathogenic, but additional data are needed to prove that conclusively. Therefore, this variant has been classified as Likely Pathogenic.

Literature cited by the submitters: PubMed 16199547; PubMed 17503333; PubMed 21412941.